The following is an entry in ClinVar:

NM_012318.3(LETM1):c.1834del (p.Val612fs)

Gene: LETM1 (leucine zipper and EF-hand containing transmembrane protein 1; minus strand). Cytogenetic location: 4p16.3.
Variant type: Deletion.
Coding change: c.1834del on transcript NM_012318.3 (MANE Select); coding-DNA position 1834, one base deleted (G; older notation c.1834delG).
Protein change: p.Val612fs; shifts the reading frame from valine 612.
Molecular consequence: frameshift variant.
Genome position (GRCh38, 1-based): chr4:1,816,824, C deleted on the plus strand (G on the coding strand, the reverse complement: LETM1 is on the minus strand); the first of 3 consecutive C bases (chr4:1,816,824-1,816,826); deleting any one gives the same sequence. VCF-style (leftmost placement, unchanged base first): chr4-1816823-AC-A. GRCh37 (hg19) VCF-style: chr4-1818550-AC-A.
Other names: short protein forms V612fs.
Identifiers: ClinVar variation 1386217 (VCV001386217.6), dbSNP rs2108834781, ClinGen allele CA2573137518.

ClinVar aggregate classification (germline): Uncertain significance (1 of 4 stars; one submission).

Submission:

Labcorp Genetics (formerly Invitae), Labcorp
Classification: Uncertain significance. Last evaluated: 2021-12-03. Review status: criteria provided, single submitter. Criteria: Invitae Variant Classification Sherloc (09022015). Collection method: clinical testing. Allele origin: germline.
Comment: This sequence change creates a premature translational stop signal (p.Val612Cysfs*4) in the LETM1 gene. It is expected to result in an absent or disrupted protein product. However, the current clinical and genetic evidence is not sufficient to establish whether loss-of-function variants in LETM1 cause disease. This variant is not present in population databases (gnomAD no frequency). This variant has not been reported in the literature in individuals affected with LETM1-related conditions. Algorithms developed to predict the effect of sequence changes on RNA splicing suggest that this variant may create or strengthen a splice site. In summary, the available evidence is currently insufficient to determine the role of this variant in disease. Therefore, it has been classified as a Variant of Uncertain Significance.